The following is an entry in ClinVar:

NM_000245.4(MET):c.3935+9T>C

Gene: MET (MET proto-oncogene, receptor tyrosine kinase; plus strand). Cytogenetic location: 7q31.2.
Variant type: single nucleotide variant.
Coding change: c.3935+9T>C on transcript NM_000245.4 (MANE Select); 9 bases into the intron after coding-DNA position 3935, T replaced by C.
Molecular consequence: intron variant.
Genome position (GRCh38, 1-based): chr7:116,795,800, T>C. VCF-style: chr7-116795800-T-C. GRCh37 (hg19) VCF-style: chr7-116435854-T-C.
Other names: c.3989+9T>C (NM_001127500.3); c.2645+9T>C (NM_001324402.2).
Identifiers: ClinVar variation 3773044 (VCV003773044.1).

ClinVar aggregate classification (germline): Likely benign (1 of 4 stars; one submission).

Conditions:
Papillary renal cell carcinoma type 1 (RCCP1). Also called: Renal adenocarcinoma; Renal cell carcinoma 1; Renal cell carcinoma, somatic; RENAL CELL CARCINOMA, PAPILLARY, 1, SOMATIC. Identifiers: Orphanet 47044, MedGen C1336839, OMIM 605074, HP:0011797.

Submission:

Myriad Genetics, Inc.
Classification: Likely benign for Papillary renal cell carcinoma type 1. Last evaluated: 2024-11-14. Review status: criteria provided, single submitter. Criteria: Myriad Autosomal Dominant, Autosomal Recessive and X-Linked Classification Criteria (2023). Collection method: clinical testing. Allele origin: unknown.
Comment: This variant is considered likely benign. This variant is intronic and is not expected to impact mRNA splicing.